The following is an entry in ClinVar:

NM_001024630.4(RUNX2):c.1225dup (p.Ser409fs)

Gene: RUNX2 (RUNX family transcription factor 2; plus strand). Cytogenetic location: 6p21.1.
Variant type: Duplication.
Coding change: c.1225dup on transcript NM_001024630.4 (MANE Select); coding-DNA position 1225, one base duplicated (T; older notation c.1225dupT).
Protein change: p.Ser409fs; shifts the reading frame from serine 409.
Molecular consequence: frameshift variant.
Genome position (GRCh38, 1-based): chr6:45,546,964, T duplicated. VCF-style (leftmost placement, unchanged base first): chr6-45546963-G-GT. GRCh37 (hg19) VCF-style: chr6-45514700-G-GT.
Other names: c.1159dup, p.Ser387fs (NM_001015051.4); c.1117dup, p.Ser373fs (NM_001278478.2); c.1183dup, p.Ser395fs (NM_001369405.1); short protein forms S373fs, S387fs, S395fs, S409fs.
Identifiers: ClinVar variation 4856176 (VCV004856176.1).

ClinVar aggregate classification (germline): Likely pathogenic (1 of 4 stars; one submission).

Conditions:
Cleidocranial dysostosis (CLCD1). Also called: Cleidocranial Dysplasia Spectrum Disorder; cleidocranial dysplasia 1; Marie-Sainton disease. Identifiers: Orphanet 1452, MedGen C0008928, MONDO:0007340, OMIM 119600.

Submission:

3billion
Classification: Likely pathogenic for Cleidocranial dysostosis. Last evaluated: 2025-12-23. Review status: criteria provided, single submitter. Criteria: ACMG Guidelines, 2015. Collection method: clinical testing. Allele origin: germline. Affected: yes.
Comment: The variant is not observed in the gnomAD v4.1.0 dataset. Predicted Consequence/Location: Frameshift: predicted to result in a loss or disruption of normal protein function through protein truncation. The predicted truncated protein may be shortened by more than 10%. Therefore, this variant is classified as Likely pathogenic according to the recommendation of ACMG/AMP guideline.